The following is an entry in ClinVar:

NM_000179.3(MSH6):c.1777C>T (p.Gln593Ter)

Gene: MSH6 (mutS homolog 6; plus strand). Cytogenetic location: 2p16.3.
Variant type: single nucleotide variant.
Coding change: c.1777C>T on transcript NM_000179.3 (MANE Select); coding-DNA position 1777, C replaced by T.
Protein change: p.Gln593Ter; replaces glutamine 593 with a stop codon.
Molecular consequence: nonsense.
Genome position (GRCh38, 1-based): chr2:47,799,760, C>T. VCF-style: chr2-47799760-C-T. GRCh37 (hg19) VCF-style: chr2-48026899-C-T.
Other names: c.1387C>T, p.Gln463Ter (NM_001281492.2); c.871C>T, p.Gln291Ter (NM_001281493.2, NM_001281494.2, NM_001406811.1 and 6 more transcripts); c.1873C>T, p.Gln625Ter (NM_001406795.1, NM_001406802.1); c.1777C>T, p.Gln593Ter (NM_001406796.1, NM_001406798.1, NM_001406800.1 and 3 more transcripts); c.1480C>T, p.Gln494Ter (NM_001406797.1, NM_001406801.1, NM_001406805.1 and 10 more transcripts); c.1252C>T, p.Gln418Ter (NM_001406799.1, NM_001406806.1, NM_001406807.1); c.1699C>T, p.Gln567Ter (NM_001406804.1); c.1783C>T, p.Gln595Ter (NM_001406813.1); and 1 more; short protein forms Q593*, Q291*, Q463*, Q625*, Q418*, Q494*, Q537*, Q567*.
Identifiers: ClinVar variation 1779901 (VCV001779901.8), dbSNP rs751179784, ClinGen allele CA346749210.

ClinVar aggregate classification (germline): Pathogenic/Likely pathogenic. Review status: criteria provided, multiple submitters, no conflicts (2 of 4 stars). 4 submissions from 4 submitters: Pathogenic (3); Likely pathogenic (1). Last evaluated 2025-10-22.

Conditions:
Hereditary nonpolyposis colorectal neoplasms. Identifiers: MedGen C0009405, MeSH D003123.
Hereditary cancer-predisposing syndrome. Also called: Neoplastic Syndromes, Hereditary; Tumor predisposition; Hereditary Cancer Syndrome; Hereditary neoplastic syndrome. Identifiers: Orphanet 140162, MedGen C0027672, MeSH D009386, MONDO:0015356.
Lynch syndrome. Identifiers: Orphanet 144, MedGen C4552100, MONDO:0005835. Disease mechanism: loss of function.
Lynch syndrome 5 (LYNCH5). Also called: Colorectal cancer, hereditary nonpolyposis, type 5; Hereditary non-polyposis colorectal cancer, type 5. Identifiers: Orphanet 144, MedGen C1833477, MONDO:0013710, OMIM 614350. Disease mechanism: loss of function.

Submissions (4):

Ambry Genetics
Classification: Pathogenic for Hereditary cancer-predisposing syndrome. Last evaluated: 2025-10-22. Review status: criteria provided, single submitter. Criteria: Ambry Variant Classification Scheme 2023. Collection method: clinical testing. Allele origin: germline.
Comment: The p.Q593* pathogenic mutation (also known as c.1777C>T), located in coding exon 4 of the MSH6 gene, results from a C to T substitution at nucleotide position 1777. This changes the amino acid from a glutamine to a stop codon within coding exon 4. This variant is considered to be rare based on population cohorts in the Genome Aggregation Database (gnomAD). This alteration is expected to result in loss of function by premature protein truncation or nonsense-mediated mRNA decay. As such, this alteration is interpreted as a disease-causing mutation.

Department of Clinical Genetics, Copenhagen University Hospital, Rigshospitalet
Classification: Likely pathogenic for Lynch syndrome. Last evaluated: 2025-02-04. Review status: criteria provided, single submitter. Criteria: ACMG Guidelines, 2015. Collection method: clinical testing. Allele origin: germline.
Comment: PVS1; PM2_SUP;

Labcorp Genetics (formerly Invitae), Labcorp
Classification: Pathogenic for Hereditary nonpolyposis colorectal neoplasms. Last evaluated: 2025-01-07. Review status: criteria provided, single submitter. Criteria: Invitae Variant Classification Sherloc (09022015). Collection method: clinical testing. Allele origin: germline.
Comment: This sequence change creates a premature translational stop signal (p.Gln593*) in the MSH6 gene. It is expected to result in an absent or disrupted protein product. Loss-of-function variants in MSH6 are known to be pathogenic (PMID: 18269114, 24362816). This variant is not present in population databases (gnomAD no frequency). This variant has not been reported in the literature in individuals affected with MSH6-related conditions. ClinVar contains an entry for this variant (Variation ID: 1779901). For these reasons, this variant has been classified as Pathogenic.

Myriad Genetics, Inc.
Classification: Pathogenic for Lynch syndrome 5. Last evaluated: 2023-08-15. Review status: criteria provided, single submitter. Criteria: Myriad Autosomal Dominant, Autosomal Recessive and X-Linked Classification Criteria (2023). Collection method: clinical testing. Allele origin: unknown.
Comment: This variant is considered pathogenic. This variant creates a termination codon and is predicted to result in premature protein truncation.

Literature cited by the submitters: PubMed 18269114 (cited by Labcorp Genetics (formerly Invitae), Labcorp); PubMed 24362816 (cited by Labcorp Genetics (formerly Invitae), Labcorp).